The following is an entry in ClinVar:

ClinVar aggregate classification (germline): Uncertain significance. Review status: criteria provided, multiple submitters, no conflicts (2 of 4 stars). 2 submissions from 2 submitters: Uncertain significance (2). Last evaluated 2026-08-06.

Allele frequency attached by ClinVar (database versions not stated): gnomAD 0.00003; TOPMed 0.00003; ExAC 0.00007; ESP Exome Variant Server 0.00008.
gnomAD v4.1: 51 of 1,614,106 alleles (0.0032%); highest among the groups gnomAD compares: Middle Eastern, 0.033%; no homozygotes.

Submissions (2):

OLLIN Analises Genomicas, OLLIN
Classification: Uncertain significance. Last evaluated: 2026-08-06. Review status: criteria provided, single submitter. Criteria: ACMG Guidelines 2015 PMID 25741868. Collection method: clinical testing. Allele origin: germline.
Comment: This missense variant, located in exon 8 (of 21), has been reported in ClinVar (accession VCV002741134.3) and in gnomAD with an allele frequency of 0.0032%. However, to our knowledge, it has not been reported in the scientific literature. In silico analysis predicts that this variant has a tolerated effect. This gene is constrained for missense variation. According to the currently available evidence, this variant has been classified as uncertain significance (PM2_P, PP2, BP4_M).

Labcorp Genetics (formerly Invitae), Labcorp
Classification: Uncertain significance. Last evaluated: 2025-05-30. Review status: criteria provided, single submitter. Criteria: Invitae Variant Classification Sherloc (09022015). Collection method: clinical testing. Allele origin: germline.
Comment: This sequence change replaces valine, which is neutral and non-polar, with isoleucine, which is neutral and non-polar, at codon 579 of the IGF1R protein (p.Val579Ile). This variant is present in population databases (rs138992740, gnomAD 0.02%). This variant has not been reported in the literature in individuals affected with IGF1R-related conditions. ClinVar contains an entry for this variant (Variation ID: 2741134). An algorithm developed to predict the effect of missense changes on protein structure and function outputs the following: PolyPhen-2: "Benign". The isoleucine amino acid residue is found in multiple mammalian species, which suggests that this missense change does not adversely affect protein function. In summary, the available evidence is currently insufficient to determine the role of this variant in disease. Therefore, it has been classified as a Variant of Uncertain Significance.

NM_000875.5(IGF1R):c.1735G>A (p.Val579Ile)

Gene: IGF1R (insulin like growth factor 1 receptor; plus strand). Cytogenetic location: 15q26.3.
Variant type: single nucleotide variant.
Coding change: c.1735G>A on transcript NM_000875.5 (MANE Select); coding-DNA position 1735, G replaced by A.
Protein change: p.Val579Ile; replaces valine 579 with isoleucine.
Molecular consequence: missense variant.
Genome position (GRCh38, 1-based): chr15:98,913,189, G>A. VCF-style: chr15-98913189-G-A. GRCh37 (hg19) VCF-style: chr15-99456418-G-A.
Other names: c.1735G>A, p.Val579Ile (NM_001291858.2); short protein forms V579I.
Identifiers: ClinVar variation 2741134 (VCV002741134.4), dbSNP rs138992740, ClinGen allele CA7752182.